The following is an entry in ClinVar:

NM_206933.4(USH2A):c.12284G>A (p.Gly4095Asp)

Gene: USH2A (usherin; minus strand). Cytogenetic location: 1q41.
Variant type: single nucleotide variant.
Coding change: c.12284G>A on transcript NM_206933.4 (MANE Select); coding-DNA position 12284, G replaced by A.
Protein change: p.Gly4095Asp; replaces glycine 4095 with aspartic acid.
Molecular consequence: missense variant.
Genome position (GRCh38, 1-based): chr1:215,680,159, C>T on the plus strand (G>A on the coding strand, the complement: USH2A is on the minus strand). VCF-style: chr1-215680159-C-T. GRCh37 (hg19) VCF-style: chr1-215853501-C-T.
Other names: short protein forms G4095D.
Identifiers: ClinVar variation 378847 (VCV000378847.58), dbSNP rs759898765, ClinGen allele CA1393508.

ClinVar aggregate classification (germline): Pathogenic/Likely pathogenic. Review status: criteria provided, multiple submitters, no conflicts (2 of 4 stars). 10 submissions from 9 submitters: Pathogenic (5); Likely pathogenic (5). Last evaluated 2026-01-19.

Conditions:
Retinal dystrophy. Also called: Inherited retinal dystrophy. Identifiers: Orphanet 71862, MedGen C0854723, MeSH D058499, MONDO:0019118, HP:0000556.
Usher syndrome type 2A. Also called: RETINAL DISEASE IN USHER SYNDROME TYPE IIA, MODIFIER OF; USHER SYNDROME, TYPE IIA. Identifiers: Orphanet 231178, Orphanet 886, MedGen C1848634, MONDO:0010169, OMIM 276901.
Retinitis pigmentosa 39 (RP39). Identifiers: Orphanet 791, MedGen C3151138, MONDO:0013436, OMIM 613809.
USH2A-related disorder. Also called: USH2A-related condition; USH2A-related disorders. Identifiers: MedGen CN239332.

Allele frequency attached by ClinVar (database versions not stated): ExAC 0.00001; gnomAD exomes 0.00001 and 0.00002; TOPMed 0.00001.
gnomAD v4.1: 5 of 1,614,070 alleles (0.00031%); highest among the groups gnomAD compares: African/African-American, 0.0013%; no homozygotes.

Submissions (10):

Labcorp Genetics (formerly Invitae), Labcorp
Classification: Pathogenic. Last evaluated: 2026-01-19. Review status: criteria provided, single submitter. Criteria: Invitae Variant Classification Sherloc (09022015). Collection method: clinical testing. Allele origin: germline.
Comment: This sequence change replaces glycine, which is neutral and non-polar, with aspartic acid, which is acidic and polar, at codon 4095 of the USH2A protein (p.Gly4095Asp). This variant is present in population databases (rs759898765, gnomAD 0.007%). This missense change has been observed in individuals with clinical features of Usher syndrome or retinitis pigmentosa (PMID: 25333064, 27460420; internal data). ClinVar contains an entry for this variant (Variation ID: 378847). Invitae Evidence Modeling of protein sequence and biophysical properties (such as structural, functional, and spatial information, amino acid conservation, physicochemical variation, residue mobility, and thermodynamic stability) indicates that this missense variant is expected to disrupt USH2A protein function with a positive predictive value of 95%. This variant disrupts the p.Gly4095 amino acid residue in USH2A. Other variant(s) that disrupt this residue have been observed in individuals with USH2A-related conditions (PMID: 27460420), which suggests that this may be a clinically significant amino acid residue. For these reasons, this variant has been classified as Pathogenic.

Natera, Inc.
Classification: Pathogenic for Usher syndrome type 2A. Last evaluated: 2025-09-10. Review status: criteria provided, single submitter. Criteria: Natera Variant Classification Schema (03/2026). Collection method: clinical testing. Allele origin: germline.
Comment: The c.12284G>A variant in USH2A is a missense variant predicted to cause substitution of glycine to aspartic acid at amino acid 4095. This variant is rare in the general population with a frequency below the threshold expected for the associated phenotype(s). This variant has been observed in one or more individuals affected with the associated recessive disease, as either homozygous or compound heterozygous with a second variant (PMID: 39462066, 39202371, 25333064, 7460420, 32675063). A different variant at the same position has been determined to be Pathogenic or Likely Pathogenic. Computational prediction algorithms indicate this variant is likely to affect gene or protein function. Given the available evidence, this variant is classified as Pathogenic.

Baylor Genetics
Classification: Pathogenic for Retinitis pigmentosa 39. Last evaluated: 2024-01-01. Review status: criteria provided, single submitter. Criteria: ACMG Guidelines, 2015. Collection method: clinical testing. Allele origin: unknown.

Genome-Nilou Lab
Classification: Likely pathogenic for Retinitis pigmentosa 39. Last evaluated: 2023-11-04. Review status: criteria provided, single submitter. Criteria: ACMG Guidelines, 2015. Collection method: clinical testing. Allele origin: germline. Affected: no.

Genome-Nilou Lab
Classification: Likely pathogenic for Usher syndrome type 2A. Last evaluated: 2023-11-04. Review status: criteria provided, single submitter. Criteria: ACMG Guidelines, 2015. Collection method: clinical testing. Allele origin: germline. Affected: no.

GeneDx
Classification: Likely pathogenic. Last evaluated: 2023-02-28. Review status: criteria provided, single submitter. Criteria: GeneDx Variant Classification Process June 2021. Collection method: clinical testing. Allele origin: germline. Affected: yes.
Comment: Not observed at significant frequency in large population cohorts (gnomAD); In silico analysis supports that this missense variant has a deleterious effect on protein structure/function; This variant is associated with the following publications: (PMID: 32531858, 27460420, 25333064, 35266249, 32675063)

Blueprint Genetics
Classification: Pathogenic for USH2A-related disorders. Last evaluated: 2022-11-17. Review status: criteria provided, single submitter. Criteria: ACMG Guidelines, 2015. Collection method: clinical testing. Allele origin: germline. Affected: yes. Observed: 5 variant alleles.

Institute of Human Genetics, Univ. Regensburg, Univ. Regensburg
Classification: Likely pathogenic for Retinal dystrophy. Last evaluated: 2022-01-01. Review status: criteria provided, single submitter. Criteria: ACMG Guidelines, 2015. Collection method: clinical testing. Allele origin: germline. Affected: yes.

Myriad Genetics, Inc.
Classification: Likely pathogenic for Usher syndrome type 2A. Last evaluated: 2021-11-16. Review status: criteria provided, single submitter. Criteria: Myriad Women's Health Autosomal Recessive and X-Linked Classification Criteria (2021). Collection method: clinical testing. Allele origin: unknown.
Comment: NM_206933.2(USH2A):c.12284G>A(G4095D) is a missense variant classified as likely pathogenic in the context of USH2A-related disorders. G4095D has been observed in cases with relevant disease (PMID: 32675063, 25333064, 27460420, 32531858). Functional assessments of this variant are not available in the literature. G4095D has been observed in population frequency databases (gnomAD: AFR 0.01%). In summary, NM_206933.2(USH2A):c.12284G>A(G4095D) is a missense variant that has been observed more frequently in cases with the relevant disease than in healthy populations. Please note: this variant was assessed in the context of healthy population screening.

CeGaT Center for Human Genetics Tuebingen
Classification: Pathogenic. Last evaluated: 2018-04-01. Review status: criteria provided, single submitter. Criteria: CeGaT Center For Human Genetics Tuebingen Variant Classification Criteria Version 2. Collection method: clinical testing. Allele origin: germline. Affected: yes. Observed: 1 variant allele.

Literature cited by the submitters: PubMed 25333064 (cited by 4 submitters); PubMed 27460420 (cited by Labcorp Genetics (formerly Invitae), Labcorp and Myriad Genetics, Inc.); PubMed 39462066 (cited by Natera, Inc.); PubMed 39202371 (cited by Natera, Inc.); PubMed 7460420 (cited by Natera, Inc.); PubMed 32675063 (cited by 3 submitters); PubMed 31964843 (cited by Institute of Human Genetics, Univ. Regensburg, Univ. Regensburg); PubMed 32531858 (cited by Institute of Human Genetics, Univ. Regensburg, Univ. Regensburg and Myriad Genetics, Inc.); PubMed 35266249 (cited by Institute of Human Genetics, Univ. Regensburg, Univ. Regensburg).